The following is an entry in ClinVar:

ClinVar aggregate classification (germline): Uncertain significance. Review status: criteria provided, multiple submitters, no conflicts (2 of 4 stars). 2 submissions from 2 submitters: Uncertain significance (2). Last evaluated 2026-04-29.

Conditions:
Dyskeratosis congenita, autosomal dominant 2. Identifiers: MedGen C3151443, MONDO:0013521, OMIM 613989.
Idiopathic Pulmonary Fibrosis. Also called: Idiopathic fibrosing alveolitis, chronic form; idiopathic fibrosing alveolitis. Identifiers: Orphanet 2032, MedGen C1800706, MeSH D054990, MONDO:0800504.
Dyskeratosis congenita. Identifiers: Orphanet 1775, MedGen C0265965, MONDO:0015780.

Submissions (2):

Ambry Genetics
Classification: Uncertain significance for Dyskeratosis congenita. Last evaluated: 2026-04-29. Review status: criteria provided, single submitter. Criteria: Ambry Variant Classification Scheme 2023. Collection method: clinical testing. Allele origin: germline.
Comment: The c.1950+5C>A intronic variant results from a C to A substitution 5 nucleotides after coding exon 4 in the TERT gene. This nucleotide position is not well conserved in available vertebrate species. In silico splice site analysis for this alteration is inconclusive. Based on the available evidence, the clinical significance of this variant remains unclear.

Labcorp Genetics (formerly Invitae), Labcorp
Classification: Uncertain significance for Dyskeratosis congenita, autosomal dominant 2; Idiopathic Pulmonary Fibrosis. Last evaluated: 2021-09-01. Review status: criteria provided, single submitter. Criteria: Invitae Variant Classification Sherloc (09022015). Collection method: clinical testing. Allele origin: germline.
Comment: This sequence change falls in intron 4 of the TERT gene. It does not directly change the encoded amino acid sequence of the TERT protein. It affects a nucleotide within the consensus splice site of the intron. This variant is not present in population databases (ExAC no frequency). This variant has not been reported in the literature in individuals affected with TERT-related conditions. Variants that disrupt the consensus splice site are a relatively common cause of aberrant splicing (PMID: 17576681, 9536098). Algorithms developed to predict the effect of sequence changes on RNA splicing suggest that this variant is not likely to affect RNA splicing. In summary, the available evidence is currently insufficient to determine the role of this variant in disease. Therefore, it has been classified as a Variant of Uncertain Significance.

Literature cited by the submitters: PubMed 17576681 (cited by Labcorp Genetics (formerly Invitae), Labcorp); PubMed 9536098 (cited by Labcorp Genetics (formerly Invitae), Labcorp).

NM_198253.3(TERT):c.1950+5C>A

Gene: TERT (telomerase reverse transcriptase; minus strand). Cytogenetic location: 5p15.33.
Variant type: single nucleotide variant.
Coding change: c.1950+5C>A on transcript NM_198253.3 (MANE Select); 5 bases into the intron after coding-DNA position 1950, C replaced by A.
Molecular consequence: intron variant.
Genome position (GRCh38, 1-based): chr5:1,280,153, G>T on the plus strand (C>A on the coding strand, the complement: TERT is on the minus strand). VCF-style: chr5-1280153-G-T. GRCh37 (hg19) VCF-style: chr5-1280268-G-T.
Other names: c.1950+5C>A (NM_001193376.3).
Identifiers: ClinVar variation 967707 (VCV000967707.8), dbSNP rs1749918549, ClinGen allele CA1139658741.